The following is an entry in ClinVar:

ClinVar aggregate classification (germline): Pathogenic (1 of 4 stars; one submission).

Submission:

Labcorp Genetics (formerly Invitae), Labcorp
Classification: Pathogenic. Last evaluated: 2022-07-09. Review status: criteria provided, single submitter. Criteria: Invitae Variant Classification Sherloc (09022015). Collection method: clinical testing. Allele origin: germline.
Comment: For these reasons, this variant has been classified as Pathogenic. Algorithms developed to predict the effect of sequence changes on RNA splicing suggest that this variant may disrupt the consensus splice site. This variant has not been reported in the literature in individuals affected with LAMC3-related conditions. This variant is not present in population databases (gnomAD no frequency). This sequence change creates a premature translational stop signal (p.Arg784Glyfs*100) in the LAMC3 gene. It is expected to result in an absent or disrupted protein product. Loss-of-function variants in LAMC3 are known to be pathogenic (PMID: 21572413, 26802095).

Literature cited by the submitters: PubMed 21572413; PubMed 26802095.

NC_000009.12:g.131066961del

Gene: LAMC3 (laminin subunit gamma 3; plus strand). Cytogenetic location: 9q34.12.
Variant type: Deletion.
Genome position: GRCh38 VCF-style: chr9-131066958-AG-A. GRCh37 (hg19) VCF-style: chr9-133942345-AG-A.
Identifiers: ClinVar variation 1944772 (VCV001944772.6), dbSNP rs1437712014, ClinGen allele CA860511903.